The following is an entry in ClinVar:

NM_000551.4(VHL):c.411G>C (p.Val137=)

Genes: VHL (von Hippel-Lindau tumor suppressor; plus strand), LOC107303340 (3p25 von Hippel-Lindau tumor suppressor, E3 ubiquitin protein ligase Alu-mediated recombination region; plus strand). Cytogenetic location: 3p25.3.
Variant type: single nucleotide variant.
Coding change: c.411G>C on transcript NM_000551.4 (MANE Select); coding-DNA position 411, G replaced by C.
Protein change: p.Val137=; no amino-acid change (valine 137 retained).
Molecular consequence: synonymous variant. On other transcripts: intron variant (2).
Genome position (GRCh38, 1-based): chr3:10,146,584, G>C. VCF-style: chr3-10146584-G-C. GRCh37 (hg19) VCF-style: chr3-10188268-G-C.
Other names: c.*18-3203G>C (NM_001354723.2); c.341-3203G>C (NM_198156.3).
Identifiers: ClinVar variation 526700 (VCV000526700.14), dbSNP rs1553619969, ClinGen allele CA432421862.
Genomic context (GRCh38, chr3:10,146,584, plus strand): 5'-GCTCTTCAGAGATGCAGGGACACACGATGGGCTTCTGGTTAACCAAACTGAATTATTTGT[G>C]CCATCTCTCAATGTTGACGGACAGCCTATTTTTGCCAATATCACACTGCCAGGTACTGAC-3'
Protein context (NP_000542.1, residues 127-147): GLLVNQTELF[Val137=]PSLNVDGQPI

ClinVar aggregate classification (germline): Likely benign. Review status: criteria provided, multiple submitters, no conflicts (2 of 4 stars). 3 submissions from 3 submitters: Likely benign (3). Last evaluated 2024-02-16.

Conditions:
Chuvash polycythemia. Also called: POLYCYTHEMIA, VHL-DEPENDENT. Identifiers: Orphanet 238557, MedGen C1837915, MONDO:0009892, OMIM 263400.
Von Hippel-Lindau syndrome (VHLS). Also called: von Hippel–Lindau syndrome; VHL syndrome; Von Hippel-Lindau. Identifiers: Orphanet 892, MedGen C0019562, MONDO:0008667, OMIM 193300. Disease mechanism: loss of function.
Hereditary cancer-predisposing syndrome. Also called: Neoplastic Syndromes, Hereditary; Tumor predisposition; Hereditary neoplastic syndrome; Hereditary Cancer Syndrome. Identifiers: Orphanet 140162, MedGen C0027672, MeSH D009386, MONDO:0015356.

Allele frequency attached by ClinVar (database versions not stated): TOPMed below 0.00001.

Submissions (3):

Labcorp Genetics (formerly Invitae), Labcorp
Classification: Likely benign for Von Hippel-Lindau syndrome; Chuvash polycythemia. Last evaluated: 2024-02-16. Review status: criteria provided, single submitter. Criteria: Invitae Variant Classification Sherloc (09022015). Collection method: clinical testing. Allele origin: germline.

All of Us Research Program, National Institutes of Health
Classification: Likely benign for Von Hippel-Lindau syndrome. Last evaluated: 2023-04-10. Review status: criteria provided, single submitter. Criteria: ACMG Guidelines, 2015. Collection method: clinical testing. Allele origin: germline. Inheritance: Autosomal dominant inheritance. Observed: 1 variant allele, 1 heterozygote.
Comment: This study involves interpretation of variants in research participants for the purpose of population health screening. Participant phenotype was not available at the time of variant classification. Additional details can be found in publication PMID: 35346344, PMCID: PMC8962531

Ambry Genetics
Classification: Likely benign for Hereditary cancer-predisposing syndrome. Last evaluated: 2020-01-21. Review status: criteria provided, single submitter. Criteria: Ambry Variant Classification Scheme 2023. Collection method: clinical testing. Allele origin: germline.